The following is an entry in ClinVar:

NM_001355436.2(SPTB):c.1124C>T (p.Ala375Val)

Gene: SPTB (spectrin beta, erythrocytic; minus strand). Cytogenetic location: 14q23.3.
Variant type: single nucleotide variant.
Coding change: c.1124C>T on transcript NM_001355436.2 (MANE Select); coding-DNA position 1124, C replaced by T.
Protein change: p.Ala375Val; replaces alanine 375 with valine.
Molecular consequence: missense variant.
Genome position (GRCh38, 1-based): chr14:64,797,787, G>A on the plus strand (C>T on the coding strand, the complement: SPTB is on the minus strand). VCF-style: chr14-64797787-G-A. GRCh37 (hg19) VCF-style: chr14-65264505-G-A.
Other names: c.1124C>T, p.Ala375Val (NM_001024858.4, NM_001355437.2); short protein forms A375V.
Identifiers: ClinVar variation 2198222 (VCV002198222.13), dbSNP rs766483443, ClinGen allele CA7231214.

ClinVar aggregate classification (germline): Uncertain significance. Review status: criteria provided, multiple submitters, no conflicts (2 of 4 stars). 3 submissions from 3 submitters: Uncertain significance (3). Last evaluated 2025-07-01.

Allele frequency attached by ClinVar (database versions not stated): gnomAD exomes below 0.00001; gnomAD 0.00001; ExAC 0.00004; TOPMed 0.00004.
gnomAD v4.1: 20 of 1,613,970 alleles (0.0012%); highest among the groups gnomAD compares: East Asian, 0.0089%; no homozygotes.

Submissions (3):

CeGaT Center for Human Genetics Tuebingen
Classification: Uncertain significance. Last evaluated: 2025-07-01. Review status: criteria provided, single submitter. Criteria: CeGaT Center For Human Genetics Tuebingen Variant Classification Criteria Version 2. Collection method: clinical testing. Allele origin: germline. Affected: yes. Observed: 1 variant allele.
Comment: SPTB: PM2

Revvity Omics, Revvity
Classification: Uncertain significance. Last evaluated: 2024-02-08. Review status: criteria provided, single submitter. Criteria: ACMG Guidelines, 2015. Collection method: clinical testing. Allele origin: germline.

Labcorp Genetics (formerly Invitae), Labcorp
Classification: Uncertain significance. Last evaluated: 2022-03-18. Review status: criteria provided, single submitter. Criteria: Invitae Variant Classification Sherloc (09022015). Collection method: clinical testing. Allele origin: germline.
Comment: Algorithms developed to predict the effect of missense changes on protein structure and function (SIFT, PolyPhen-2, Align-GVGD) all suggest that this variant is likely to be disruptive. In summary, the available evidence is currently insufficient to determine the role of this variant in disease. Therefore, it has been classified as a Variant of Uncertain Significance. This variant has not been reported in the literature in individuals affected with SPTB-related conditions. This sequence change replaces alanine, which is neutral and non-polar, with valine, which is neutral and non-polar, at codon 375 of the SPTB protein (p.Ala375Val). This variant is present in population databases (rs766483443, gnomAD 0.02%).